The following is an entry in ClinVar:

NM_000133.4(F9):c.221C>G (p.Ala74Gly)

Gene: F9 (coagulation factor IX; plus strand). Cytogenetic location: Xq27.1.
Variant type: single nucleotide variant.
Coding change: c.221C>G on transcript NM_000133.4 (MANE Select); coding-DNA position 221, C replaced by G.
Protein change: p.Ala74Gly; replaces alanine 74 with glycine.
Molecular consequence: missense variant.
Genome position (GRCh38, 1-based): chrX:139,537,142, C>G. VCF-style: chrX-139537142-C-G. GRCh37 (hg19) VCF-style: chrX-138619301-C-G.
Other names: c.221C>G, p.Ala74Gly (NM_001313913.2); short protein forms A74G.
Identifiers: ClinVar variation 3374935 (VCV003374935.1).

ClinVar aggregate classification (germline): Uncertain significance (1 of 4 stars; one submission).

Submission:

Women's Health and Genetics/Laboratory Corporation of America, LabCorp
Classification: Uncertain significance. Last evaluated: 2024-09-10. Review status: criteria provided, single submitter. Criteria: LabCorp Variant Classification Summary - May 2015. Collection method: clinical testing. Allele origin: germline.
Comment: Variant summary: F9 c.221C>G (p.Ala74Gly) results in a non-conservative amino acid change located in the gamma-carboxyglutamic acid-rich (GLA) domain (IPR000294) of the encoded protein sequence. Five of five in-silico tools predict a damaging effect of the variant on protein function. The variant was absent in 182973 control chromosomes. The available data on variant occurrences in the general population are insufficient to allow any conclusion about variant significance. c.221C>G has been reported in the literature in the heterozygous state in at least one individual affected with Factor IX Deficiency (Hemophilia B) (Lannoy_2017). These data do not allow any conclusion about variant significance. To our knowledge, no experimental evidence demonstrating an impact on protein function has been reported. The following publication have been ascertained in the context of this evaluation (PMID: 27865967). No submitters have cited clinical-significance assessments for this variant to ClinVar. Based on the evidence outlined above, the variant was classified as uncertain significance.

Literature cited by the submitters: PubMed 27865967.